The following is an entry in ClinVar:

NM_000051.4(ATM):c.927A>G (p.Arg309=)

Gene: ATM (ATM serine/threonine kinase; plus strand). Cytogenetic location: 11q22.3.
Variant type: single nucleotide variant.
Coding change: c.927A>G on transcript NM_000051.4 (MANE Select); coding-DNA position 927, A replaced by G.
Protein change: p.Arg309=; no amino-acid change (arginine 309 retained).
Molecular consequence: synonymous variant.
Genome position (GRCh38, 1-based): chr11:108,246,989, A>G. VCF-style: chr11-108246989-A-G. GRCh37 (hg19) VCF-style: chr11-108117716-A-G.
Other names: c.927A>G, p.Arg309= (NM_001351834.2).
Identifiers: ClinVar variation 760340 (VCV000760340.12), dbSNP rs935834518, ClinGen allele CA476671508.

ClinVar aggregate classification (germline): Benign/Likely benign. Review status: criteria provided, multiple submitters, no conflicts (2 of 4 stars). 3 submissions from 3 submitters: Benign (1); Likely benign (2). Last evaluated 2024-04-24.

Conditions:
Hereditary cancer-predisposing syndrome. Also called: Tumor predisposition; Hereditary Cancer Syndrome; Neoplastic Syndromes, Hereditary; Hereditary neoplastic syndrome. Identifiers: Orphanet 140162, MedGen C0027672, MeSH D009386, MONDO:0015356.
Familial cancer of breast. Also called: Hereditary breast cancer; BREAST CANCER, FAMILIAL; hereditary breast carcinoma. Identifiers: Orphanet 227535, MedGen C0346153, MONDO:0016419, OMIM 114480. Disease mechanism: loss of function.
Ataxia-telangiectasia syndrome (AT). Also called: Ataxia telangiectasia (A-T); Cerebello-oculocutaneous telangiectasia; Immunodeficiency with ataxia telangiectasia; LOUIS-BAR SYNDROME; ATAXIA-TELANGIECTASIA, FRESNO VARIANT; Ataxia-telangiectasia, complementation group D. Identifiers: Orphanet 100, MedGen C0004135, MONDO:0008840, OMIM 208900.

Submissions (3):

Myriad Genetics, Inc.
Classification: Benign for Familial cancer of breast. Last evaluated: 2024-04-24. Review status: criteria provided, single submitter. Criteria: Myriad Autosomal Dominant, Autosomal Recessive and X-Linked Classification Criteria (2023). Collection method: clinical testing. Allele origin: unknown.
Comment: This variant is considered benign. This variant is a silent/synonymous amino acid change and it is not expected to impact splicing.

Ambry Genetics
Classification: Likely benign for Hereditary cancer-predisposing syndrome. Last evaluated: 2023-12-10. Review status: criteria provided, single submitter. Criteria: Ambry Variant Classification Scheme 2023. Collection method: clinical testing. Allele origin: germline.

Labcorp Genetics (formerly Invitae), Labcorp
Classification: Likely benign for Ataxia-telangiectasia syndrome. Last evaluated: 2022-11-01. Review status: criteria provided, single submitter. Criteria: Invitae Variant Classification Sherloc (09022015). Collection method: clinical testing. Allele origin: germline.